The following is an entry in ClinVar:

ClinVar aggregate classification (germline): Benign/Likely benign. Review status: criteria provided, multiple submitters, no conflicts (2 of 4 stars). 4 submissions from 4 submitters: Benign (1); Likely benign (3). Last evaluated 2025-05-11.

Conditions:
Hereditary cancer-predisposing syndrome. Also called: Hereditary neoplastic syndrome; Tumor predisposition; Hereditary Cancer Syndrome; Neoplastic Syndromes, Hereditary. Identifiers: Orphanet 140162, MedGen C0027672, MeSH D009386, MONDO:0015356.
Familial cancer of breast. Also called: Hereditary breast cancer; hereditary breast carcinoma; BREAST CANCER, FAMILIAL. Identifiers: Orphanet 227535, MedGen C0346153, MONDO:0016419, OMIM 114480. Disease mechanism: loss of function.

Submissions (4):

Ambry Genetics
Classification: Likely benign for Hereditary cancer-predisposing syndrome. Last evaluated: 2025-05-11. Review status: criteria provided, single submitter. Criteria: Ambry Variant Classification Scheme 2023. Collection method: clinical testing. Allele origin: germline.

Myriad Genetics, Inc.
Classification: Benign for Familial cancer of breast. Last evaluated: 2025-01-13. Review status: criteria provided, single submitter. Criteria: Myriad Autosomal Dominant, Autosomal Recessive and X-Linked Classification Criteria (2023). Collection method: clinical testing. Allele origin: unknown.
Comment: This variant is considered benign. This variant is a silent/synonymous amino acid change and it is not expected to impact splicing.

Labcorp Genetics (formerly Invitae), Labcorp
Classification: Likely benign for Familial cancer of breast. Last evaluated: 2024-02-17. Review status: criteria provided, single submitter. Criteria: Invitae Variant Classification Sherloc (09022015). Collection method: clinical testing. Allele origin: germline.

Color Diagnostics, LLC DBA Color Health
Classification: Likely benign for Hereditary cancer-predisposing syndrome. Last evaluated: 2017-07-19. Review status: criteria provided, single submitter. Criteria: ACMG Guidelines, 2015. Collection method: clinical testing. Allele origin: germline.

NM_024675.4(PALB2):c.1401C>T (p.Gly467=)

Gene: PALB2 (partner and localizer of BRCA2; minus strand). Cytogenetic location: 16p12.2.
Variant type: single nucleotide variant.
Coding change: c.1401C>T on transcript NM_024675.4 (MANE Select); coding-DNA position 1401, C replaced by T.
Protein change: p.Gly467=; no amino-acid change (glycine 467 retained).
Molecular consequence: synonymous variant.
Genome position (GRCh38, 1-based): chr16:23,635,145, G>A on the plus strand (C>T on the coding strand, the complement: PALB2 is on the minus strand). VCF-style: chr16-23635145-G-A. GRCh37 (hg19) VCF-style: chr16-23646466-G-A.
Identifiers: ClinVar variation 492159 (VCV000492159.14), dbSNP rs1555461301, ClinGen allele CA494461484.